The following is an entry in ClinVar:

NM_024675.4(PALB2):c.1497G>T (p.Leu499Phe)

Gene: PALB2 (partner and localizer of BRCA2; minus strand). Cytogenetic location: 16p12.2.
Variant type: single nucleotide variant.
Coding change: c.1497G>T on transcript NM_024675.4 (MANE Select); coding-DNA position 1497, G replaced by T.
Protein change: p.Leu499Phe; replaces leucine 499 with phenylalanine.
Molecular consequence: missense variant.
Genome position (GRCh38, 1-based): chr16:23,635,049, C>A on the plus strand (G>T on the coding strand, the complement: PALB2 is on the minus strand). VCF-style: chr16-23635049-C-A. GRCh37 (hg19) VCF-style: chr16-23646370-C-A.
Other names: short protein forms L499F.
Identifiers: ClinVar variation 960149 (VCV000960149.13), dbSNP rs748315431, ClinGen allele CA395131062.
Genomic context (GRCh38, chr16:23,635,049, plus strand): 5'-GGCTGATTTTCTTTTTCCTGTGTATCTTCTACCAGGTGCTTGGGCAACTGCCTTCCTAGA[C>A]AAGTCATTATCTTCAGTGGGCCCAGCGGGAGAGCTGACTTTAGTTAATGAGAGAAGTTTC-3'
Protein context (NP_078951.2, residues 489-509): SPAGPTEDND[Leu499Phe]SRKAVAQAPG

ClinVar aggregate classification (germline): Conflicting classifications of pathogenicity. Review status: criteria provided, conflicting classifications (1 of 4 stars). 2 submissions from 2 submitters: Uncertain significance (1); Likely benign (1). Last evaluated 2022-08-24.

Conditions:
Hereditary cancer-predisposing syndrome. Also called: Tumor predisposition; Hereditary neoplastic syndrome; Neoplastic Syndromes, Hereditary; Hereditary Cancer Syndrome. Identifiers: Orphanet 140162, MedGen C0027672, MeSH D009386, MONDO:0015356.
Familial cancer of breast. Also called: BREAST CANCER, FAMILIAL; Hereditary breast cancer; hereditary breast carcinoma. Identifiers: Orphanet 227535, MedGen C0346153, MONDO:0016419, OMIM 114480. Disease mechanism: loss of function.

Submissions (2):

Ambry Genetics
Classification: Likely benign for Hereditary cancer-predisposing syndrome. Last evaluated: 2022-08-24. Review status: criteria provided, single submitter. Criteria: Ambry Variant Classification Scheme 2023. Collection method: clinical testing. Allele origin: germline.

Labcorp Genetics (formerly Invitae), Labcorp
Classification: Uncertain significance for Familial cancer of breast. Last evaluated: 2019-09-02. Review status: criteria provided, single submitter. Criteria: Invitae Variant Classification Sherloc (09022015). Collection method: clinical testing. Allele origin: germline.
Comment: In summary, the available evidence is currently insufficient to determine the role of this variant in disease. Therefore, it has been classified as a Variant of Uncertain Significance. This sequence change replaces leucine with phenylalanine at codon 499 of the PALB2 protein (p.Leu499Phe). The leucine residue is moderately conserved and there is a small physicochemical difference between leucine and phenylalanine. This variant is not present in population databases (ExAC no frequency). This variant has not been reported in the literature in individuals with PALB2-related conditions. Algorithms developed to predict the effect of missense changes on protein structure and function output the following: SIFT: "Tolerated"; PolyPhen-2: "Benign"; Align-GVGD: "Class C0". The phenylalanine amino acid residue is found in multiple mammalian species, suggesting that this missense change does not adversely affect protein function. These predictions have not been confirmed by published functional studies and their clinical significance is uncertain.